The following is an entry in ClinVar:

NM_022114.4(PRDM16):c.720G>T (p.Gln240His)

Gene: PRDM16 (PR/SET domain 16; plus strand). Cytogenetic location: 1p36.32.
Variant type: single nucleotide variant.
Coding change: c.720G>T on transcript NM_022114.4 (MANE Select); coding-DNA position 720, G replaced by T.
Protein change: p.Gln240His; replaces glutamine 240 with histidine.
Molecular consequence: missense variant.
Genome position (GRCh38, 1-based): chr1:3,402,834, G>T. VCF-style: chr1-3402834-G-T. GRCh37 (hg19) VCF-style: chr1-3319398-G-T.
Other names: c.720G>T, p.Gln240His (NM_199454.3); c.720G>T (NM_022114.3); short protein forms Q240H.
Identifiers: ClinVar variation 2156407 (VCV002156407.6), dbSNP rs750026615, ClinGen allele CA543942.

ClinVar aggregate classification (germline): Conflicting classifications of pathogenicity. Review status: criteria provided, conflicting classifications (1 of 4 stars). 2 submissions from 2 submitters: Uncertain significance (1); Likely benign (1). Last evaluated 2026-07-23.

Conditions:
Left ventricular noncompaction 8 (LVNC8). Identifiers: Orphanet 154, Orphanet 54260, MedGen C3809288, MONDO:0014152, OMIM 615373.

Allele frequency attached by ClinVar (database versions not stated): TOPMed 0.00002; ExAC 0.00006; gnomAD 0.00001; gnomAD exomes 0.00002.
gnomAD v4.1: 32 of 1,612,948 alleles (0.002%); highest among the groups gnomAD compares: Non-Finnish European, 0.00051%; no homozygotes.

Submissions (2):

GeneDx
Classification: Uncertain significance. Last evaluated: 2026-07-23. Review status: criteria provided, single submitter. Criteria: GeneDx Variant Classification Process June 2021. Collection method: clinical testing. Allele origin: germline.
Comment: Has not been previously published as pathogenic or benign to our knowledge; In silico analysis suggests that this missense variant does not alter protein structure/function

Labcorp Genetics (formerly Invitae), Labcorp
Classification: Likely benign for Left ventricular noncompaction 8. Last evaluated: 2026-01-25. Review status: criteria provided, single submitter. Criteria: Invitae Variant Classification Sherloc (09022015). Collection method: clinical testing. Allele origin: germline.